The following is an entry in ClinVar:

NM_002473.6(MYH9):c.3323A>G (p.Glu1108Gly)

Gene: MYH9 (myosin heavy chain 9; minus strand). Cytogenetic location: 22q12.3.
Variant type: single nucleotide variant.
Coding change: c.3323A>G on transcript NM_002473.6 (MANE Select); coding-DNA position 3323, A replaced by G.
Protein change: p.Glu1108Gly; replaces glutamic acid 1108 with glycine.
Molecular consequence: missense variant.
Genome position (GRCh38, 1-based): chr22:36,295,667, T>C on the plus strand (A>G on the coding strand, the complement: MYH9 is on the minus strand). VCF-style: chr22-36295667-T-C. GRCh37 (hg19) VCF-style: chr22-36691713-T-C.
Other names: short protein forms E1108G.
Identifiers: ClinVar variation 3343397 (VCV003343397.2).
Genomic context (GRCh38, chr22:36,295,667, plus strand): 5'-TTCCTGGAAGCACGCTCAGACTCCAGGTCTTCCTGGAGTTCAGAGATCTGAGATTCCAGC[T>C]CCCGGATCTTCTTGAGGGCCATGTTCTTCTGGGCAGCTTCCTCTTCCACTCTGCCAAAGC-3'
Protein context (NP_002464.1, residues 1098-1118): QKNMALKKIR[Glu1108Gly]LESQISELQE

ClinVar aggregate classification (germline): Uncertain significance. Review status: criteria provided, multiple submitters, no conflicts (2 of 4 stars). 2 submissions from 2 submitters: Uncertain significance (2). Last evaluated 2025-07-27.

gnomAD v4.1: 7 of 1,613,764 alleles (0.00043%); highest among the groups gnomAD compares: Middle Eastern, 0.016%; no homozygotes.

Submissions (2):

Labcorp Genetics (formerly Invitae), Labcorp
Classification: Uncertain significance. Last evaluated: 2025-07-27. Review status: criteria provided, single submitter. Criteria: Invitae Variant Classification Sherloc (09022015). Collection method: clinical testing. Allele origin: germline.
Comment: This sequence change replaces glutamic acid, which is acidic and polar, with glycine, which is neutral and non-polar, at codon 1108 of the MYH9 protein (p.Glu1108Gly). This variant is present in population databases (no rsID available, gnomAD 0.009%). This variant has not been reported in the literature in individuals affected with MYH9-related conditions. ClinVar contains an entry for this variant (Variation ID: 3343397). Invitae Evidence Modeling of protein sequence and biophysical properties (such as structural, functional, and spatial information, amino acid conservation, physicochemical variation, residue mobility, and thermodynamic stability) has been performed for this missense variant. However, the output from this modeling did not meet the statistical confidence thresholds required to predict the impact of this variant on MYH9 protein function. In summary, the available evidence is currently insufficient to determine the role of this variant in disease. Therefore, it has been classified as a Variant of Uncertain Significance.

GeneDx
Classification: Uncertain significance. Last evaluated: 2023-05-15. Review status: criteria provided, single submitter. Criteria: GeneDx Variant Classification Process June 2021. Collection method: clinical testing. Allele origin: germline. Affected: yes.
Comment: In silico analysis supports that this missense variant has a deleterious effect on protein structure/function; Has not been previously published as pathogenic or benign to our knowledge